The following is an entry in ClinVar:

ClinVar aggregate classification (germline): Pathogenic. Review status: criteria provided, multiple submitters, no conflicts (2 of 4 stars). 2 submissions from 2 submitters: Pathogenic (2). Last evaluated 2017-05-24.

Conditions:
Familial multiple polyposis syndrome (FAP). Also called: Familial adenomatous polyposis; Familial Adenomatous Polyposis (FAP); Familial intestinal polyposis; Familial polyposis; Classic familial adenomatous polyposis. Identifiers: Orphanet 733, MedGen C0032580, MONDO:0021055. Disease mechanism: loss of function.

Submissions (2):

GeneDx
Classification: Pathogenic. Last evaluated: 2017-05-24. Review status: criteria provided, single submitter. Criteria: GeneDx Variant Classification (06012015). Collection method: clinical testing. Allele origin: germline. Affected: yes.
Comment: This deletion of 94 nucleotides in APC is denoted c.1048_1141del94 at the cDNA level and p.Ser350ProfsX73 (S350PfsX73) at the protein level. The surrounding sequence is ACAG[del94]CCAG. The deletion causes a frameshift which changes a Serine to a Proline at codon 350, and creates a premature stop codon at position 73 of the new reading frame. Although this variant has not, to our knowledge, been reported in the literature, it is predicted to cause loss of normal protein function through either protein truncation or nonsense-mediated mRNA decay. Based on the currently available information, we consider this deletion to be a likely pathogenic variant.

Department of Pathology and Laboratory Medicine, Sinai Health System
Classification: Pathogenic for Familial multiple polyposis syndrome. Review status: criteria provided, single submitter. Criteria: ACMG Guidelines, 2015. Collection method: clinical testing. Allele origin: germline. Affected: yes. Study: Canadian Open Genetics Repository (COGR).

NM_000038.6(APC):c.1048_1141del (p.Ser350fs)

Gene: APC (APC regulator of Wnt signaling pathway; plus strand). Cytogenetic location: 5q22.2.
Variant type: Deletion.
Coding change: c.1048_1141del on transcript NM_000038.6 (MANE Select); coding-DNA positions 1048 to 1141, 94 bases deleted.
Protein change: p.Ser350fs; shifts the reading frame from serine 350.
Molecular consequence: frameshift variant. On other transcripts: intron variant (4).
Genome position (GRCh38, 1-based): chr5:112,819,080-112,819,173, 94 bases deleted. GRCh37 (hg19): chr5:112,154,777-112,154,870.
Other names: c.1048_1141delTCTGGATGTCTTCCTCTCCTCATCCAGCTTTTACATGGCAATGACAAAGACTCTGTATTGTTGGGAAATTCCCGGGGCAGTAAAGAGGCTCGGG (NM_000038.5); c.1048_1141del, p.Ser350fs (NM_001127510.3, NM_001354895.2, NM_001354896.2); c.994_1087del, p.Ser332fs (NM_001127511.3); c.1078_1171del, p.Ser360fs (NM_001354897.2); c.973_1066del, p.Ser325fs (NM_001354898.2); c.964_1057del, p.Ser322fs (NM_001354899.2); c.871_964del, p.Ser291fs (NM_001354900.2, NM_001354901.2); c.199_292del, p.Ser67fs (NM_001354906.2); and 4 more; short protein forms S322fs, S325fs, S350fs, S67fs, S291fs, S332fs, S360fs.
Identifiers: ClinVar variation 433616 (VCV000433616.3), dbSNP rs1554079988, ClinGen allele CA645372772.